The following is an entry in ClinVar:

ClinVar aggregate classification (germline): Uncertain significance (1 of 4 stars; one submission).

Conditions:
Multiple mitochondrial dysfunctions syndrome 1 (MMDS1). Identifiers: Orphanet 401869, MedGen C3276432, MONDO:0011582, OMIM 605711.

Allele frequency attached by ClinVar (database versions not stated): gnomAD exomes below 0.00001.
gnomAD v4.1: 2 of 1,613,398 alleles (0.00012%); highest among the groups gnomAD compares: Middle Eastern, 0.016%; no homozygotes.

Submission:

Labcorp Genetics (formerly Invitae), Labcorp
Classification: Uncertain significance for Multiple mitochondrial dysfunctions syndrome 1. Last evaluated: 2022-04-20. Review status: criteria provided, single submitter. Criteria: Invitae Variant Classification Sherloc (09022015). Collection method: clinical testing. Allele origin: germline.
Comment: This variant has not been reported in the literature in individuals affected with NFU1-related conditions. This variant is not present in population databases (gnomAD no frequency). This sequence change affects codon 182 of the NFU1 mRNA. It is a 'silent' change, meaning that it does not change the encoded amino acid sequence of the NFU1 protein. It affects a nucleotide within the consensus splice site. Algorithms developed to predict the effect of sequence changes on RNA splicing suggest that this variant is not likely to affect RNA splicing. In summary, the available evidence is currently insufficient to determine the role of this variant in disease. Therefore, it has been classified as a Variant of Uncertain Significance.

NM_001002755.4(NFU1):c.546G>A (p.Arg182=)

Gene: NFU1 (NFU1 iron-sulfur cluster scaffold; minus strand). Cytogenetic location: 2p13.3.
Variant type: single nucleotide variant.
Coding change: c.546G>A on transcript NM_001002755.4 (MANE Select); coding-DNA position 546, G replaced by A.
Protein change: p.Arg182=; no amino-acid change (arginine 182 retained).
Molecular consequence: synonymous variant. On other transcripts: non-coding transcript variant (1).
Genome position (GRCh38, 1-based): chr2:69,400,538, C>T on the plus strand (G>A on the coding strand, the complement: NFU1 is on the minus strand). VCF-style: chr2-69400538-C-T. GRCh37 (hg19) VCF-style: chr2-69627670-C-T.
Other names: c.123G>A, p.Arg41= (NM_001002756.2); c.474G>A, p.Arg158= (NM_001374284.1, NM_015700.4).
Identifiers: ClinVar variation 1968722 (VCV001968722.5), dbSNP rs1401831965, ClinGen allele CA426619865.